The following is an entry in ClinVar:

ClinVar aggregate classification (germline): Conflicting classifications of pathogenicity. Review status: criteria provided, conflicting classifications (1 of 4 stars). 3 submissions from 3 submitters: Uncertain significance (1); Likely benign (1). 1 of the submissions does not count toward it. Last evaluated 2026-02-11.

Conditions:
MASP2-related disorder. Also called: MASP2-related condition.
Immunodeficiency due to MASP-2 deficiency. Also called: LECTIN COMPLEMENT ACTIVATION PATHWAY, DEFECT IN, 2; MASP2 deficiency. Identifiers: Orphanet 331187, MedGen C3151085, MONDO:0013423, OMIM 613791.

Allele frequency attached by ClinVar (database versions not stated): ESP Exome Variant Server 0.00023; gnomAD exomes 0.00033 and 0.00075; ExAC 0.00059; gnomAD 0.00061; TOPMed 0.00063; 1000 Genomes Project 30x 0.00078; 1000 Genomes Project 0.00080.
gnomAD v4.1: 620 of 1,613,900 alleles (0.038%); highest among the groups gnomAD compares: African/African-American, 0.11%; 3 homozygotes.

Submissions (3):

Women's Health and Genetics/Laboratory Corporation of America, LabCorp
Classification: Likely benign. Last evaluated: 2026-02-11. Review status: criteria provided, single submitter. Criteria: LabCorp Variant Classification Summary - May 2015. Collection method: clinical testing. Allele origin: germline.
Comment: Variant summary: MASP2 c.383C>T (p.Thr128Met) results in a non-conservative amino acid change in the encoded protein sequence. Algorithms developed to predict the effect of missense changes on protein structure and function are either unavailable or do not agree on the potential impact of this missense change. The variant allele was found at a frequency of 0.00075 in 250846 control chromosomes, predominantly at a frequency of 0.013 within the Ashkenazi Jewish subpopulation in the gnomAD database. The observed variant frequency within Ashkenazi Jewish control individuals in the gnomAD database exceeds the estimated maximal expected allele frequency for disease-causing variants in MASP2. To our knowledge, no occurrence of c.383C>T in individuals affected with MASP2-related conditions and no experimental evidence demonstrating its impact on protein function have been reported. ClinVar contains an entry for this variant (Variation ID: 291806). Based on the evidence outlined above, the variant was classified as likely benign.

Illumina Laboratory Services, Illumina
Classification: Uncertain significance for Immunodeficiency due to MASP-2 deficiency. Last evaluated: 2018-01-13. Review status: criteria provided, single submitter. Criteria: ICSL Variant Classification Criteria 13 December 2019. Collection method: clinical testing. Allele origin: germline.

PreventionGenetics, part of Exact Sciences
Classification: Uncertain significance for MASP2-related condition. Last evaluated: 2024-07-10. Review status: no assertion criteria provided. Collection method: clinical testing. Allele origin: germline. Not counted in ClinVar's aggregate classification.
Comment: The MASP2 c.383C>T variant is predicted to result in the amino acid substitution p.Thr128Met. This variant was reported as uncertain in an individual with severe hypertension and renal microangiopathy (Larsen et al 2017. PubMed ID: 29148534). This variant is reported in 1.3% of alleles in individuals of Ashkenazi Jewish descent in gnomAD. This variant could be benign. At this time, the clinical significance of this variant is uncertain due to the absence of conclusive functional and genetic evidence.

NM_006610.4(MASP2):c.383C>T (p.Thr128Met)

Gene: MASP2 (MBL associated serine protease 2; minus strand). Cytogenetic location: 1p36.22.
Variant type: single nucleotide variant.
Coding change: c.383C>T on transcript NM_006610.4 (MANE Select); coding-DNA position 383, C replaced by T.
Protein change: p.Thr128Met; replaces threonine 128 with methionine.
Molecular consequence: missense variant.
Genome position (GRCh38, 1-based): chr1:11,046,585, G>A on the plus strand (C>T on the coding strand, the complement: MASP2 is on the minus strand). VCF-style: chr1-11046585-G-A. GRCh37 (hg19) VCF-style: chr1-11106642-G-A.
Other names: c.383C>T, p.Thr128Met (NM_139208.3); short protein forms T128M.
Identifiers: ClinVar variation 291806 (VCV000291806.7), dbSNP rs141145402, ClinGen allele CA587161.
Genomic context (GRCh38, chr1:11,046,585, plus strand): 5'-CTGAGATGTTGCAGGACCCCTCTTGGCTCACCCTCGGCTGCATAGAAGGCCTCGAACCCC[G>A]TGAACGGCTTCTCGTTGGAGTAGTCGGAGCGGAAGGTAATGTCCAGGCTGGAGCCCAGCG-3'
Protein context (NP_006601.2, residues 118-138): RSDYSNEKPF[Thr128Met]GFEAFYAAED